The following is an entry in ClinVar:

NM_001369.3(DNAH5):c.13020_13021del (p.Gln4340fs)

Gene: DNAH5 (dynein axonemal heavy chain 5; minus strand). Cytogenetic location: 5p15.2.
Variant type: Deletion.
Coding change: c.13020_13021del on transcript NM_001369.3 (MANE Select); coding-DNA positions 13020 to 13021, 2 bases deleted (AC; older notation c.13020_13021delAC).
Protein change: p.Gln4340fs; shifts the reading frame from glutamine 4340.
Molecular consequence: frameshift variant.
Genome position (GRCh38, 1-based): chr5:13,714,509-13,714,510, GT deleted on the plus strand (AC on the coding strand, the reverse complement: DNAH5 is on the minus strand). VCF-style (leftmost placement, unchanged base first): chr5-13714508-GGT-G. GRCh37 (hg19) VCF-style: chr5-13714617-GGT-G.
Other names: short protein forms Q4340fs.
Identifiers: ClinVar variation 5012442 (VCV005012442.1).
Genomic context (GRCh38, chr5:13,714,508, plus strand): 5'-TCAGCCAGCCGGGCCACCACCGCCTCCCGGGTCTCATCCCCTCCACCAGAGGTGTCCTTG[GGT>G]TGGATGCCTAGGATGGTGTCCAGCACGTCCTTGGCCAGCTTGCTCTGGTAGGTGATGTCA-3'

ClinVar aggregate classification (germline): Pathogenic (1 of 4 stars; one submission).

Conditions:
Primary ciliary dyskinesia 3. Identifiers: Orphanet 244, MedGen C1837618, MONDO:0012085, OMIM 608644.

Submission:

Myriad Genetics, Inc.
Classification: Pathogenic for Primary ciliary dyskinesia 3. Last evaluated: 2023-10-28. Review status: criteria provided, single submitter. Criteria: Myriad Autosomal Dominant, Autosomal Recessive and X-Linked Classification Criteria (2023). Collection method: clinical testing. Allele origin: unknown.
Comment: NM_001369.2(DNAH5):c.13020_13021delAC(Q4340Hfs*10) is expected to be pathogenic in the context of primary ciliary dyskinesia, DNAH5-related. This variant is predicted to lead to an abnormal or absent protein product due to the creation of a premature termination codon in DNAH5, a gene where loss-of-function variants are known to be pathogenic. Please note: this variant was assessed in the context of healthy population screening.